The following is an entry in ClinVar:

ClinVar aggregate classification (germline): Uncertain significance (1 of 4 stars; one submission).

Submission:

GeneDx
Classification: Uncertain significance. Last evaluated: 2019-12-09. Review status: criteria provided, single submitter. Criteria: GeneDx Variant Classification Process June 2021. Collection method: clinical testing. Allele origin: germline. Affected: yes.
Comment: Not observed in large population cohorts (Lek et al., 2016); Missense variant in a gene in which most reported pathogenic variants are truncating/loss-of-function; Has not been previously published as pathogenic or benign to our knowledge

NM_001267550.2(TTN):c.35095G>A (p.Val11699Ile)

Gene: TTN (titin; minus strand). Cytogenetic location: 2q31.2.
Variant type: single nucleotide variant.
Coding change: c.35095G>A on transcript NM_001267550.2 (MANE Select); coding-DNA position 35095, G replaced by A.
Protein change: p.Val11699Ile; replaces valine 11699 with isoleucine.
Molecular consequence: missense variant. On other transcripts: intron variant (3).
Genome position (GRCh38, 1-based): chr2:178,672,103, C>T on the plus strand (G>A on the coding strand, the complement: TTN is on the minus strand). VCF-style: chr2-178672103-C-T. GRCh37 (hg19) VCF-style: chr2-179536830-C-T.
Other names: c.33973G>A, p.Val11325Ile (NM_001256850.1); c.31192G>A, p.Val10398Ile (NM_133378.4); c.13283-29786G>A (NM_003319.4); c.13859-29786G>A (NM_133437.4); c.13658-29786G>A (NM_133432.3); short protein forms V10398I, V11325I, V11699I.
Identifiers: ClinVar variation 1310687 (VCV001310687.2), dbSNP rs2067101946, ClinGen allele CA349517767.